The following is an entry in ClinVar:

ClinVar aggregate classification (germline): Uncertain significance (1 of 4 stars; one submission).

Conditions:
Autosomal dominant limb-girdle muscular dystrophy type 1G (LGMDD3). Also called: MUSCULAR DYSTROPHY, LIMB-GIRDLE, AUTOSOMAL DOMINANT 3; Limb-girdle muscular dystrophy, type 1G. Identifiers: Orphanet 55596, MedGen C1836765, MONDO:0012193, OMIM 609115.

gnomAD v4.1: 4 of 1,456,746 alleles (0.00027%); highest among the groups gnomAD compares: Non-Finnish European, 0.00027%; no homozygotes.

Submission:

Labcorp Genetics (formerly Invitae), Labcorp
Classification: Uncertain significance for Autosomal dominant limb-girdle muscular dystrophy type 1G. Last evaluated: 2024-08-21. Review status: criteria provided, single submitter. Criteria: Invitae Variant Classification Sherloc (09022015). Collection method: clinical testing. Allele origin: germline.
Comment: This sequence change replaces proline, which is neutral and non-polar, with alanine, which is neutral and non-polar, at codon 47 of the HNRNPDL protein (p.Pro47Ala). This variant is present in population databases (no rsID available, gnomAD 0.007%). This variant has not been reported in the literature in individuals affected with HNRNPDL-related conditions. ClinVar contains an entry for this variant (Variation ID: 1418022). An algorithm developed to predict the effect of missense changes on protein structure and function outputs the following: PolyPhen-2: "Benign". The alanine amino acid residue is found in multiple mammalian species, which suggests that this missense change does not adversely affect protein function. In summary, the available evidence is currently insufficient to determine the role of this variant in disease. Therefore, it has been classified as a Variant of Uncertain Significance.

NM_031372.4(HNRNPDL):c.139C>G (p.Pro47Ala)

Gene: HNRNPDL (heterogeneous nuclear ribonucleoprotein D like; minus strand). Cytogenetic location: 4q21.22.
Variant type: single nucleotide variant.
Coding change: c.139C>G on transcript NM_031372.4 (MANE Select); coding-DNA position 139, C replaced by G.
Protein change: p.Pro47Ala; replaces proline 47 with alanine.
Molecular consequence: missense variant. On other transcripts: non-coding transcript variant (1).
Genome position (GRCh38, 1-based): chr4:82,429,552, G>C on the plus strand (C>G on the coding strand, the complement: HNRNPDL is on the minus strand). VCF-style: chr4-82429552-G-C. GRCh37 (hg19) VCF-style: chr4-83350705-G-C.
Other names: c.139C>G, p.Pro47Ala (NM_001207000.1); short protein forms P47A.
Identifiers: ClinVar variation 1418022 (VCV001418022.6), dbSNP rs754208735, ClinGen allele CA357172999.